The following is an entry in ClinVar:

NM_001621.5(AHR):c.2159C>G (p.Pro720Arg)

Gene: AHR (aryl hydrocarbon receptor; plus strand). Cytogenetic location: 7p21.1.
Variant type: single nucleotide variant.
Coding change: c.2159C>G on transcript NM_001621.5 (MANE Select); coding-DNA position 2159, C replaced by G.
Protein change: p.Pro720Arg; replaces proline 720 with arginine.
Molecular consequence: missense variant.
Genome position (GRCh38, 1-based): chr7:17,339,984, C>G. VCF-style: chr7-17339984-C-G. GRCh37 (hg19) VCF-style: chr7-17379608-C-G.
Other names: short protein forms P720R.
Identifiers: ClinVar variation 1024348 (VCV001024348.6), dbSNP rs369817097, ClinGen allele CA4172238.

ClinVar aggregate classification (germline): Uncertain significance (1 of 4 stars; one submission).

Allele frequency attached by ClinVar (database versions not stated): gnomAD exomes 0.00001; ExAC 0.00002; TOPMed 0.00002; ESP Exome Variant Server 0.00008.
gnomAD v4.1: 15 of 1,614,076 alleles (0.00093%); highest among the groups gnomAD compares: African/African-American, 0.0013%; no homozygotes.

Submission:

Labcorp Genetics (formerly Invitae), Labcorp
Classification: Uncertain significance. Last evaluated: 2020-05-23. Review status: criteria provided, single submitter. Criteria: Invitae Variant Classification Sherloc (09022015). Collection method: clinical testing. Allele origin: germline.
Comment: In summary, the available evidence is currently insufficient to determine the role of this variant in disease. Therefore, it has been classified as a Variant of Uncertain Significance. Algorithms developed to predict the effect of sequence changes on RNA splicing suggest that this variant may create or strengthen a splice site, but this prediction has not been confirmed by published transcriptional studies. Algorithms developed to predict the effect of missense changes on protein structure and function are either unavailable or do not agree on the potential impact of this missense change (SIFT: "Deleterious"; PolyPhen-2: "Possibly Damaging"; Align-GVGD: "Class C0"). This variant has not been reported in the literature in individuals with AHR-related conditions. This variant is present in population databases (rs369817097, ExAC 0.01%). This sequence change replaces proline with arginine at codon 720 of the AHR protein (p.Pro720Arg). The proline residue is moderately conserved and there is a moderate physicochemical difference between proline and arginine.